The following is an entry in ClinVar:

ClinVar aggregate classification (germline): Uncertain significance. Review status: criteria provided, multiple submitters, no conflicts (2 of 4 stars). 3 submissions from 3 submitters: Uncertain significance (3). Last evaluated 2024-01-22.

Conditions:
Nephronophthisis. Also called: Juvenile Nephronophthisis. Identifiers: Orphanet 655, MedGen C0687120, MONDO:0019005, HP:0000090.

Allele frequency attached by ClinVar (database versions not stated): gnomAD 0.00001; gnomAD exomes 0.00001 and 0.00002; TOPMed 0.00001; ExAC 0.00002.
gnomAD v4.1: 12 of 1,613,548 alleles (0.00074%); highest among the groups gnomAD compares: African/African-American, 0.0053%; no homozygotes.

Submissions (3):

Labcorp Genetics (formerly Invitae), Labcorp
Classification: Uncertain significance for Nephronophthisis. Last evaluated: 2024-01-22. Review status: criteria provided, single submitter. Criteria: Invitae Variant Classification Sherloc (09022015). Collection method: clinical testing. Allele origin: germline.
Comment: This sequence change replaces arginine, which is basic and polar, with histidine, which is basic and polar, at codon 1118 of the NPHP3 protein (p.Arg1118His). This variant is present in population databases (rs749623594, gnomAD 0.01%). This variant has not been reported in the literature in individuals affected with NPHP3-related conditions. ClinVar contains an entry for this variant (Variation ID: 595684). Advanced modeling of protein sequence and biophysical properties (such as structural, functional, and spatial information, amino acid conservation, physicochemical variation, residue mobility, and thermodynamic stability) performed at Invitae indicates that this missense variant is not expected to disrupt NPHP3 protein function with a negative predictive value of 80%. In summary, the available evidence is currently insufficient to determine the role of this variant in disease. Therefore, it has been classified as a Variant of Uncertain Significance.

Blueprint Genetics
Classification: Uncertain significance. Last evaluated: 2021-12-11. Review status: criteria provided, single submitter. Criteria: ACMG Guidelines, 2015. Collection method: clinical testing. Allele origin: germline.

Eurofins Ntd Llc (ga)
Classification: Uncertain significance. Last evaluated: 2018-01-09. Review status: criteria provided, single submitter. Criteria: EGL Classification Definitions 2015. Collection method: clinical testing. Allele origin: germline. Observed: 1 variant allele, 1 heterozygote.

NM_153240.5(NPHP3):c.3353G>A (p.Arg1118His)

Genes: NPHP3 (nephrocystin 3; minus strand), NPHP3-ACAD11 (NPHP3-ACAD11 readthrough (NMD candidate); minus strand). Cytogenetic location: 3q22.1.
Variant type: single nucleotide variant.
Coding change: c.3353G>A on transcript NM_153240.5 (MANE Select); coding-DNA position 3353, G replaced by A.
Protein change: p.Arg1118His; replaces arginine 1118 with histidine.
Molecular consequence: missense variant. On other transcripts: non-coding transcript variant (1).
Genome position (GRCh38, 1-based): chr3:132,684,771, C>T on the plus strand (G>A on the coding strand, the complement: NPHP3 is on the minus strand). VCF-style: chr3-132684771-C-T. GRCh37 (hg19) VCF-style: chr3-132403615-C-T.
Other names: short protein forms R1118H.
Identifiers: ClinVar variation 595684 (VCV000595684.12), dbSNP rs749623594, ClinGen allele CA2621758.